The following is an entry in ClinVar:

NM_004973.4(JARID2):c.1649G>A (p.Gly550Glu)

Gene: JARID2 (jumonji and AT-rich interaction domain containing 2; plus strand). Cytogenetic location: 6p22.3.
Variant type: single nucleotide variant.
Coding change: c.1649G>A on transcript NM_004973.4 (MANE Select); coding-DNA position 1649, G replaced by A.
Protein change: p.Gly550Glu; replaces glycine 550 with glutamic acid.
Molecular consequence: missense variant.
Genome position (GRCh38, 1-based): chr6:15,496,874, G>A. VCF-style: chr6-15496874-G-A. GRCh37 (hg19) VCF-style: chr6-15497105-G-A.
Other names: c.1133G>A, p.Gly378Glu (NM_001267040.1); short protein forms G550E, G378E.
Identifiers: ClinVar variation 4994687 (VCV004994687.1).
Genomic context (GRCh38, chr6:15,496,874, plus strand): 5'-CGGAGTCCGTGCACAAGCCGCAGGACTCGGGCAAGGCCGAGAAGGGCGGCGGCAAGGCCG[G>A]GTGGGCGGCCATGGACGAGATCCCCGTCCTCAGGCCCTCCGCCAAGGAGTTCCACGATCC-3'
Protein context (NP_004964.2, residues 540-560): GKAEKGGGKA[Gly550Glu]WAAMDEIPVL

ClinVar aggregate classification (germline): Uncertain significance (1 of 4 stars; one submission).

Conditions:
JARID2-related disorder. Also called: JARID2-related condition.

Submission:

PreventionGenetics, part of Exact Sciences
Classification: Uncertain significance for JARID2-related condition. Last evaluated: 2025-09-15. Review status: criteria provided, single submitter. Criteria: ACMG Guidelines, 2015. Collection method: clinical testing. Allele origin: germline.
Comment: The JARID2 c.1649G>A variant is predicted to result in the amino acid substitution p.Gly550Glu. To our knowledge, this variant has not been reported in the literature or in a large population database (gnomAD), indicating this variant is rare. At this time, the clinical significance of this variant is uncertain due to the absence of conclusive functional and genetic evidence.